The following is an entry in ClinVar:

NM_001194998.2(CEP152):c.1866G>T (p.Leu622=)

Gene: CEP152 (centrosomal protein 152; minus strand). Cytogenetic location: 15q21.1.
Variant type: single nucleotide variant.
Coding change: c.1866G>T on transcript NM_001194998.2 (MANE Select); coding-DNA position 1866, G replaced by T.
Protein change: p.Leu622=; no amino-acid change (leucine 622 retained).
Molecular consequence: synonymous variant.
Genome position (GRCh38, 1-based): chr15:48,768,998, C>A on the plus strand (G>T on the coding strand, the complement: CEP152 is on the minus strand). VCF-style: chr15-48768998-C-A. GRCh37 (hg19) VCF-style: chr15-49061195-C-A.
Other names: c.1866G>T, p.Leu622= (NM_014985.4).
Identifiers: ClinVar variation 158234 (VCV000158234.24), dbSNP rs61737684, ClinGen allele CA211017.
Genomic context (GRCh38, chr15:48,768,998, plus strand): 5'-AAAAATATTTTTAATCACCTGATTTTGTTGTTGTAAAACTTGAATTTCATTTTTAAGCAG[C>A]AGAATATCATCTCTGACAACATCAGAAGTAGAAGACTCAGGCCATAATTGATTCTTTGGT-3'
Protein context (NP_001181927.1, residues 612-632): STSDVVRDDI[Leu622=]LLKNEIQVLQ

ClinVar aggregate classification (germline): Conflicting classifications of pathogenicity. Review status: criteria provided, conflicting classifications (1 of 4 stars). 6 submissions from 5 submitters: Uncertain significance (1); Benign (3); Likely benign (2). Last evaluated 2026-03-01.

Conditions:
Microcephaly 9, primary, autosomal recessive. Identifiers: Orphanet 2512, MedGen C3553886, MONDO:0013923, OMIM 614852.
Seckel syndrome 5 (SCKL5). Identifiers: Orphanet 808, MedGen C3151187, MONDO:0013443, OMIM 613823.

Allele frequency attached by ClinVar (database versions not stated): gnomAD exomes 0.00036 and 0.00109; ExAC 0.00158; 1000 Genomes Project 30x 0.00390; gnomAD 0.00418 and 0.00460; 1000 Genomes Project 0.00419; TOPMed 0.00449; ESP Exome Variant Server 0.00471.
gnomAD v4.1: 1,167 of 1,586,290 alleles (0.074%); highest among the groups gnomAD compares: African/African-American, 1.4%; 10 homozygotes.

Submissions (6):

CeGaT Center for Human Genetics Tuebingen
Classification: Likely benign. Last evaluated: 2026-03-01. Review status: criteria provided, single submitter. Criteria: CeGaT Center For Human Genetics Tuebingen Variant Classification Criteria Version 2. Collection method: clinical testing. Allele origin: germline. Affected: yes. Observed: 1 variant allele.
Comment: CEP152: BP4, BP7, BS1

Labcorp Genetics (formerly Invitae), Labcorp
Classification: Benign. Last evaluated: 2026-01-31. Review status: criteria provided, single submitter. Criteria: Invitae Variant Classification Sherloc (09022015). Collection method: clinical testing. Allele origin: germline.

GeneDx
Classification: Benign. Last evaluated: 2020-04-07. Review status: criteria provided, single submitter. Criteria: GeneDx Variant Classification Process June 2021. Collection method: clinical testing. Allele origin: germline. Affected: yes.

Illumina Laboratory Services, Illumina
Classification: Likely benign for Microcephaly 9, primary, autosomal recessive. Last evaluated: 2018-01-13. Review status: criteria provided, single submitter. Criteria: ICSL Variant Classification Criteria 13 December 2019. Collection method: clinical testing. Allele origin: germline.
Comment: This variant was observed in the ICSL laboratory as part of a predisposition screen in an ostensibly healthy population. It had not been previously curated by ICSL or reported in the Human Gene Mutation Database (HGMD: prior to June 1st, 2018), and was therefore a candidate for classification through an automated scoring system. Utilizing variant allele frequency, disease prevalence and penetrance estimates, and inheritance mode, an automated score was calculated to assess if this variant is too frequent to cause the disease. Based on the score and internal cut-off values, a variant classified as likely benign is not then subjected to further curation. The score for this variant resulted in a classification of likely benign for this disease.

Illumina Laboratory Services, Illumina
Classification: Benign for Seckel syndrome 5. Last evaluated: 2018-01-13. Review status: criteria provided, single submitter. Criteria: ICSL Variant Classification Criteria 13 December 2019. Collection method: clinical testing. Allele origin: germline.
Comment: This variant was observed in the ICSL laboratory as part of a predisposition screen in an ostensibly healthy population. It had not been previously curated by ICSL or reported in the Human Gene Mutation Database (HGMD: prior to June 1st, 2018), and was therefore a candidate for classification through an automated scoring system. Utilizing variant allele frequency, disease prevalence and penetrance estimates, and inheritance mode, an automated score was calculated to assess if this variant is too frequent to cause the disease. Based on the score and internal cut-off values, a variant classified as benign is not then subjected to further curation. The score for this variant resulted in a classification of benign for this disease.

Genetic Services Laboratory, University of Chicago
Classification: Uncertain significance for Microcephaly 9, primary, autosomal recessive. Last evaluated: 2013-03-04. Review status: criteria provided, single submitter. Criteria: ACMG Guidelines, 2007. Collection method: clinical testing. Allele origin: germline. Inheritance: Autosomal recessive inheritance.